The following is an entry in ClinVar:

NM_006208.3(ENPP1):c.941G>A (p.Gly314Asp)

Gene: ENPP1 (ectonucleotide pyrophosphatase/phosphodiesterase 1; plus strand). Cytogenetic location: 6q23.2.
Variant type: single nucleotide variant.
Coding change: c.941G>A on transcript NM_006208.3 (MANE Select); coding-DNA position 941, G replaced by A.
Protein change: p.Gly314Asp; replaces glycine 314 with aspartic acid.
Molecular consequence: missense variant.
Genome position (GRCh38, 1-based): chr6:131,861,620, G>A. VCF-style: chr6-131861620-G-A. GRCh37 (hg19) VCF-style: chr6-132182760-G-A.
Other names: short protein forms G314D.
Identifiers: ClinVar variation 4760157 (VCV004760157.1).

ClinVar aggregate classification (germline): Uncertain significance (1 of 4 stars; one submission).

Submission:

Labcorp Genetics (formerly Invitae), Labcorp
Classification: Uncertain significance. Last evaluated: 2025-07-15. Review status: criteria provided, single submitter. Criteria: Invitae Variant Classification Sherloc (09022015). Collection method: clinical testing. Allele origin: germline.
Comment: This sequence change replaces glycine, which is neutral and non-polar, with aspartic acid, which is acidic and polar, at codon 314 of the ENPP1 protein (p.Gly314Asp). This variant is not present in population databases (gnomAD no frequency). This variant has not been reported in the literature in individuals affected with ENPP1-related conditions. Invitae Evidence Modeling of protein sequence and biophysical properties (such as structural, functional, and spatial information, amino acid conservation, physicochemical variation, residue mobility, and thermodynamic stability) indicates that this missense variant is not expected to disrupt ENPP1 protein function with a negative predictive value of 80%. In summary, the available evidence is currently insufficient to determine the role of this variant in disease. Therefore, it has been classified as a Variant of Uncertain Significance.